The following is an entry in ClinVar:

ClinVar aggregate classification (germline): Likely pathogenic. Review status: criteria provided, multiple submitters, no conflicts (2 of 4 stars). 5 submissions from 5 submitters: Likely pathogenic (4). 1 of the submissions does not count toward it. Last evaluated 2026-08-10.

Conditions:
Hereditary factor IX deficiency disease (HEMB). Also called: F9 DEFICIENCY; FACTOR IX DEFICIENCY; PLASMA THROMBOPLASTIN COMPONENT DEFICIENCY; Christmas Disease; Hemophilia B. Identifiers: Orphanet 98879, MedGen C0008533, MeSH D002836, MONDO:0010604, OMIM 306900.
Thrombophilia, X-linked, due to factor 9 defect. Identifiers: MedGen C2749016, MONDO:0010432, OMIM 300807.
Warfarin sensitivity, X-linked. Also called: COUMARIN SENSITIVITY, X-LINKED. Identifiers: MedGen C5393318, OMIM 301052, MONDO:0026768.

Allele frequency attached by ClinVar (database versions not stated): gnomAD exomes 0.00001; TOPMed 0.00001.
gnomAD v4.1: 7 of 1,212,069 alleles (0.00058%); highest among the groups gnomAD compares: Non-Finnish European, 0.00067%; no homozygotes.

Submissions (5):

Myriad Genetics, Inc.
Classification: Likely pathogenic for Hereditary factor IX deficiency disease. Last evaluated: 2026-08-10. Review status: criteria provided, single submitter. Criteria: Myriad Autosomal Dominant, Autosomal Recessive and X-Linked Classification Criteria (2023). Collection method: clinical testing. Allele origin: unknown.
Comment: NM_000133.3(F9):c.1024A>G(T342A) is a missense variant classified as likely pathogenic in the context of hemophilia B. T342A has been observed in cases with relevant disease (PMID: 8594556, 29517974, 15921378, 8680410). Relevant functional assessments of this variant are not available in the literature. T342A has not been observed in referenced population frequency databases. In summary, NM_000133.3(F9):c.1024A>G(T342A) is a missense variant that has been observed more frequently in cases with the relevant disease than in healthy populations. Please note: this variant was assessed in the context of healthy population screening.

Natera, Inc.
Classification: Likely pathogenic for Hemophilia B. Last evaluated: 2024-09-27. Review status: criteria provided, single submitter. Criteria: Natera Variant Classification Schema (03/2026). Collection method: clinical testing. Allele origin: germline.
Comment: The c.1024A>G variant in F9 is a missense variant predicted to cause substitution of threonine to alanine at amino acid 342. This variant is rare in the general population with a frequency below the threshold expected for the associated phenotype(s). This variant has been observed in affected individual(s) with monoallelic occurrence (heterozygous/hemizygous) (PMID: 29517974, 19699296, 15921378). A different variant at the same position has been determined to be Pathogenic or Likely Pathogenic. Given the available evidence, this variant is classified as Likely Pathogenic.

GeneDx
Classification: Likely pathogenic. Last evaluated: 2024-07-02. Review status: criteria provided, single submitter. Criteria: GeneDx Variant Classification Process June 2021. Collection method: clinical testing. Allele origin: germline. Affected: yes.
Comment: Not observed at significant frequency in large population cohorts (gnomAD); In silico analysis indicates that this missense variant does not alter protein structure/function; This variant is associated with the following publications: (PMID: 19699296, 30817849, 29517974, 32581362, 8594556, 31064749, 2066105, 1864609)

Fulgent Genetics
Classification: Likely pathogenic for Thrombophilia, X-linked, due to factor 9 defect; Warfarin sensitivity, X-linked; Hereditary factor IX deficiency disease. Last evaluated: 2024-03-22. Review status: criteria provided, single submitter. Criteria: ACMG Guidelines, 2015. Collection method: clinical testing. Allele origin: germline.

NIHR Bioresource Rare Diseases, University of Cambridge
Classification: Pathogenic for Hereditary factor IX deficiency disease. Review status: no assertion criteria provided. Collection method: research. Allele origin: unknown. Affected: yes. Observed: 1 variant allele. Not counted in ClinVar's aggregate classification.

Literature cited by the submitters: PubMed 15921378 (cited by Myriad Genetics, Inc. and Natera, Inc.); PubMed 29517974 (cited by Myriad Genetics, Inc. and Natera, Inc.); PubMed 8594556 (cited by Myriad Genetics, Inc.); PubMed 8680410 (cited by Myriad Genetics, Inc.); PubMed 19699296 (cited by Natera, Inc.); PubMed 32581362 (cited by NIHR Bioresource Rare Diseases, University of Cambridge).

NM_000133.4(F9):c.1024A>G (p.Thr342Ala)

Gene: F9 (coagulation factor IX; plus strand). Cytogenetic location: Xq27.1.
Variant type: single nucleotide variant.
Coding change: c.1024A>G on transcript NM_000133.4 (MANE Select); coding-DNA position 1024, A replaced by G.
Protein change: p.Thr342Ala; replaces threonine 342 with alanine.
Molecular consequence: missense variant.
Genome position (GRCh38, 1-based): chrX:139,561,709, A>G. VCF-style: chrX-139561709-A-G. GRCh37 (hg19) VCF-style: chrX-138643868-A-G.
Other names: c.910A>G, p.Thr304Ala (NM_001313913.2); short protein forms T342A, T304A.
Identifiers: ClinVar variation 812974 (VCV000812974.7), dbSNP rs1603267362, ClinGen allele CA414445440.